The following is an entry in ClinVar:

ClinVar aggregate classification (germline): Pathogenic/Likely pathogenic. Review status: criteria provided, multiple submitters, no conflicts (2 of 4 stars). 5 submissions from 5 submitters: Pathogenic (4); Likely pathogenic (1). Last evaluated 2025-09-14.

Conditions:
CC2D2A-related disorder. Also called: CC2D2A-related condition; CC2D2A-related disorders. Identifiers: MedGen CN239313.
Meckel-Gruber syndrome. Also called: Dysencephalia splachnocystica; DYSENCEPHALIA SPLANCHNOCYSTICA; GRUBER SYNDROME. Identifiers: Orphanet 564, MedGen C0265215, MONDO:0018921.
Joubert syndrome. Also called: Familial aplasia of the vermis; JOUBERT-BOLTSHAUSER SYNDROME. Identifiers: Orphanet 475, MedGen C5979921, MONDO:0018772.
Joubert syndrome and related disorders. Identifiers: Orphanet 140874, MedGen C5679612, MONDO:0015369.
Joubert syndrome 9 (JBTS9). Identifiers: Orphanet 2318, MedGen C2676788, MONDO:0012849, OMIM 612285.

Allele frequency attached by ClinVar (database versions not stated): gnomAD exomes below 0.00001.
gnomAD v4.1: 1 of 1,613,822 alleles (0.000062%); highest among the groups gnomAD compares: Middle Eastern, 0.016%; no homozygotes.

Submissions (5):

Myriad Genetics, Inc.
Classification: Pathogenic for Joubert syndrome and related disorders. Last evaluated: 2025-09-14. Review status: criteria provided, single submitter. Criteria: Myriad Autosomal Dominant, Autosomal Recessive and X-Linked Classification Criteria (2023). Collection method: clinical testing. Allele origin: unknown.
Comment: NM_001080522.2(CC2D2A):c.1370T>A(L457*) is expected to be pathogenic in the context of CC2D2A-related disorders. This variant is predicted to lead to an abnormal or absent protein product due to the creation of a premature termination codon in CC2D2A, a gene where loss-of-function variants are known to be pathogenic. Please note: this variant was assessed in the context of healthy population screening.

Genomic Medicine Center of Excellence, King Faisal Specialist Hospital and Research Centre
Classification: Pathogenic for Joubert syndrome 9. Last evaluated: 2025-09-10. Review status: criteria provided, single submitter. Criteria: ACMG Guidelines, 2015. Collection method: clinical testing. Allele origin: germline.

Labcorp Genetics (formerly Invitae), Labcorp
Classification: Pathogenic for Joubert syndrome; Meckel-Gruber syndrome. Last evaluated: 2023-01-17. Review status: criteria provided, single submitter. Criteria: Invitae Variant Classification Sherloc (09022015). Collection method: clinical testing. Allele origin: germline.
Comment: For these reasons, this variant has been classified as Pathogenic. ClinVar contains an entry for this variant (Variation ID: 429902). This variant has not been reported in the literature in individuals affected with CC2D2A-related conditions. This variant is not present in population databases (gnomAD no frequency). This sequence change creates a premature translational stop signal (p.Leu457*) in the CC2D2A gene. It is expected to result in an absent or disrupted protein product. Loss-of-function variants in CC2D2A are known to be pathogenic (PMID: 19777577).

Blueprint Genetics
Classification: Likely pathogenic for CC2D2A-related disorders. Last evaluated: 2019-09-25. Review status: criteria provided, single submitter. Criteria: ACMG Guidelines, 2015. Collection method: clinical testing. Allele origin: germline. Affected: yes. Observed: 1 variant allele.

GeneDx
Classification: Pathogenic. Last evaluated: 2018-07-02. Review status: criteria provided, single submitter. Criteria: GeneDx Variant Classification (06012015). Collection method: clinical testing. Allele origin: germline. Affected: yes.
Comment: The L457X variant in the CC2D2A gene has not been reported previously as a pathogenic variant nor as a benign variant, to our knowledge. This variant is predicted to cause loss of normal protein function either through protein truncation or nonsense-mediated mRNA decay. The L457X variant is not observed in large population cohorts (Lek et al., 2016). We interpret L457X as a pathogenic variant.

Literature cited by the submitters: PubMed 19777577 (cited by Labcorp Genetics (formerly Invitae), Labcorp).

NM_001378615.1(CC2D2A):c.1370T>A (p.Leu457Ter)

Genes: CC2D2A (coiled-coil and C2 domain containing 2A; plus strand), FBXL5 (F-box and leucine rich repeat protein 5; minus strand). Cytogenetic location: 4p15.32.
Variant type: single nucleotide variant.
Coding change: c.1370T>A on transcript NM_001378615.1 (MANE Select); coding-DNA position 1370, T replaced by A.
Protein change: p.Leu457Ter; replaces leucine 457 with a stop codon.
Molecular consequence: nonsense.
Genome position (GRCh38, 1-based): chr4:15,528,630, T>A. VCF-style: chr4-15528630-T-A. GRCh37 (hg19) VCF-style: chr4-15530253-T-A.
Other names: c.1370T>A, p.Leu457Ter (NM_001080522.2); c.1223T>A, p.Leu408Ter (NM_001378617.1); short protein forms L457*, L408*.
Identifiers: ClinVar variation 429902 (VCV000429902.8), dbSNP rs1131691659, ClinGen allele CA356410600.